The following is an entry in ClinVar:

ClinVar aggregate classification (germline): Uncertain significance (1 of 4 stars; one submission).

Allele frequency attached by ClinVar (database versions not stated): gnomAD exomes 0.00005 and 0.00010; gnomAD 0.00008 and 0.00009; TOPMed 0.00011; 1000 Genomes Project 30x 0.00016; 1000 Genomes Project 0.00020.
gnomAD v4.1: 89 of 1,613,680 alleles (0.0055%); highest among the groups gnomAD compares: Admixed American, 0.042%; no homozygotes.

Submission:

Labcorp Genetics (formerly Invitae), Labcorp
Classification: Uncertain significance. Last evaluated: 2021-06-20. Review status: criteria provided, single submitter. Criteria: Invitae Variant Classification Sherloc (09022015). Collection method: clinical testing. Allele origin: germline.
Comment: In summary, the available evidence is currently insufficient to determine the role of this variant in disease. Therefore, it has been classified as a Variant of Uncertain Significance. Algorithms developed to predict the effect of missense changes on protein structure and function (SIFT, PolyPhen-2, Align-GVGD) all suggest that this variant is likely to be disruptive, but these predictions have not been confirmed by published functional studies and their clinical significance is uncertain. This variant has not been reported in the literature in individuals with FLRT3-related conditions. This variant is present in population databases (rs550965135, ExAC 0.03%). This sequence change replaces arginine with glutamine at codon 151 of the FLRT3 protein (p.Arg151Gln). The arginine residue is highly conserved and there is a small physicochemical difference between arginine and glutamine.

NM_198391.3(FLRT3):c.452G>A (p.Arg151Gln)

Genes: FLRT3 (fibronectin leucine rich transmembrane protein 3; minus strand), MACROD2 (mono-ADP ribosylhydrolase 2; plus strand). Cytogenetic location: 20p12.1.
Variant type: single nucleotide variant.
Coding change: c.452G>A on transcript NM_198391.3 (MANE Select); coding-DNA position 452, G replaced by A.
Protein change: p.Arg151Gln; replaces arginine 151 with glutamine.
Molecular consequence: missense variant. On other transcripts: intron variant (3).
Genome position (GRCh38, 1-based): chr20:14,327,055, C>T on the plus strand (G>A on the coding strand, the complement: FLRT3 is on the minus strand). VCF-style: chr20-14327055-C-T. GRCh37 (hg19) VCF-style: chr20-14307701-C-T.
Other names: c.452G>A, p.Arg151Gln (NM_013281.4); c.272-166424C>T (NM_001351661.2, NM_001351663.2, NM_080676.6); short protein forms R151Q.
Identifiers: ClinVar variation 1363688 (VCV001363688.8), dbSNP rs550965135, ClinGen allele CA9769037.